The following is an entry in ClinVar:

ClinVar aggregate classification (germline): Uncertain significance (1 of 4 stars; one submission).

Conditions:
Charcot-Marie-Tooth disease type 4. Also called: Charcot-Marie-Tooth disease, type IV; Charcot-Marie-Tooth, Type 4. Identifiers: Orphanet 64749, MedGen C4082197, MONDO:0018995.

Allele frequency attached by ClinVar (database versions not stated): gnomAD exomes below 0.00001; ExAC 0.00001.
gnomAD v4.1: 1 of 1,613,380 alleles (0.000062%); highest among the groups gnomAD compares: Non-Finnish European, 0.000085%; no homozygotes.

Submission:

Labcorp Genetics (formerly Invitae), Labcorp
Classification: Uncertain significance for Charcot-Marie-Tooth disease type 4. Last evaluated: 2019-08-05. Review status: criteria provided, single submitter. Criteria: Invitae Variant Classification Sherloc (09022015). Collection method: clinical testing. Allele origin: germline.
Comment: This sequence change replaces leucine with phenylalanine at codon 587 of the PRX protein (p.Leu587Phe). The leucine residue is weakly conserved and there is a small physicochemical difference between leucine and phenylalanine. This variant is present in population databases (rs773206299, ExAC 0.01%). This variant has not been reported in the literature in individuals with PRX-related conditions. Algorithms developed to predict the effect of missense changes on protein structure and function are either unavailable or do not agree on the potential impact of this missense change (SIFT: "Tolerated"; PolyPhen-2: "Possibly Damaging"; Align-GVGD: "Class C0"). In summary, the available evidence is currently insufficient to determine the role of this variant in disease. Therefore, it has been classified as a Variant of Uncertain Significance.

NM_181882.3(PRX):c.1759C>T (p.Leu587Phe)

Gene: PRX (periaxin; minus strand). Cytogenetic location: 19q13.2.
Variant type: single nucleotide variant.
Coding change: c.1759C>T on transcript NM_181882.3 (MANE Select); coding-DNA position 1759, C replaced by T.
Protein change: p.Leu587Phe; replaces leucine 587 with phenylalanine.
Molecular consequence: missense variant. On other transcripts: 3 prime UTR variant (1).
Genome position (GRCh38, 1-based): chr19:40,396,593, G>A on the plus strand (C>T on the coding strand, the complement: PRX is on the minus strand). VCF-style: chr19-40396593-G-A. GRCh37 (hg19) VCF-style: chr19-40902500-G-A.
Other names: c.*1964C>T (NM_020956.2); short protein forms L587F.
Identifiers: ClinVar variation 943374 (VCV000943374.9), dbSNP rs773206299, ClinGen allele CA9444202.